The following is an entry in ClinVar:

ClinVar aggregate classification (germline): Pathogenic (1 of 4 stars; one submission).

Conditions:
Hereditary cancer-predisposing syndrome. Also called: Hereditary neoplastic syndrome; Neoplastic Syndromes, Hereditary; Tumor predisposition; Hereditary Cancer Syndrome. Identifiers: Orphanet 140162, MedGen C0027672, MeSH D009386, MONDO:0015356.

Submission:

Ambry Genetics
Classification: Pathogenic for Hereditary cancer-predisposing syndrome. Last evaluated: 2014-09-12. Review status: criteria provided, single submitter. Criteria: Ambry Variant Classification Scheme 2023. Collection method: clinical testing. Allele origin: germline.
Comment: The c.464_480del17 pathogenic mutation, located in coding exon 3 of the VHL gene, results from a deletion of 17 nucleotides between nucleotide positions 464 and 480, causing a translational frameshift with a predicted alternate stop codon. Since frameshifts are typically deleterious in nature, this alteration is interpreted as a disease-causing mutation (ACMG Recommendations for Standards for Interpretation and Reporting of Sequence Variations. Revision 2007. Genet Med. 2008;10:294).

NM_000551.3(VHL):c.464_480del17

Genes: VHL (von Hippel-Lindau tumor suppressor; plus strand), LOC107303340 (3p25 von Hippel-Lindau tumor suppressor, E3 ubiquitin protein ligase Alu-mediated recombination region; plus strand). Cytogenetic location: 3p25.3.
Variant type: Deletion.
Coding change: c.464_480del17 on transcript NM_000551.3; coding-DNA positions 464 to 480, 17 bases deleted (TGTATACTCTGAAAGAG).
Genome position (GRCh38, 1-based): chr3:10,149,787-10,149,803, TGTATACTCTGAAAGAG deleted; deleting any 17 consecutive bases within chr3:10,149,785-10,149,803 gives the same sequence; the c. name uses the placement nearest the transcript's 3' end. VCF-style (leftmost placement, unchanged base first): chr3-10149784-CAGTGTATACTCTGAAAG-C. GRCh37 (hg19) VCF-style: chr3-10191468-CAGTGTATACTCTGAAAG-C.
Identifiers: ClinVar variation 1742105 (VCV001742105.2), dbSNP rs2470170621, ClinGen allele CA2580068476.